The following is an entry in ClinVar:

ClinVar aggregate classification (germline): Likely benign. Review status: criteria provided, multiple submitters, no conflicts (2 of 4 stars). 2 submissions from 2 submitters: Likely benign (2). Last evaluated 2026-01-15.

Conditions:
Holoprosencephaly 11 (HPE11). Identifiers: Orphanet 2162, MedGen C3280215, MONDO:0013642, OMIM 614226.

Allele frequency attached by ClinVar (database versions not stated): gnomAD exomes 0.00002 and 0.00004; ExAC 0.00004; gnomAD 0.00004 and 0.00006; TOPMed 0.00004; 1000 Genomes Project 0.00040; 1000 Genomes Project 30x 0.00047.
gnomAD v4.1: 43 of 1,613,984 alleles (0.0027%); highest among the groups gnomAD compares: East Asian, 0.036%; no homozygotes.

Submissions (2):

Labcorp Genetics (formerly Invitae), Labcorp
Classification: Likely benign for Holoprosencephaly 11. Last evaluated: 2026-01-15. Review status: criteria provided, single submitter. Criteria: Invitae Variant Classification Sherloc (09022015). Collection method: clinical testing. Allele origin: germline.

CeGaT Center for Human Genetics Tuebingen
Classification: Likely benign. Last evaluated: 2025-12-01. Review status: criteria provided, single submitter. Criteria: CeGaT Center For Human Genetics Tuebingen Variant Classification Criteria Version 2. Collection method: clinical testing. Allele origin: germline. Affected: yes. Observed: 1 variant allele.
Comment: CDON: BP4, BP7

NM_001378964.1(CDON):c.999C>T (p.Cys333=)

Gene: CDON (cell adhesion associated, oncogene regulated; minus strand). Cytogenetic location: 11q24.2.
Variant type: single nucleotide variant.
Coding change: c.999C>T on transcript NM_001378964.1 (MANE Select); coding-DNA position 999, C replaced by T.
Protein change: p.Cys333=; no amino-acid change (cysteine 333 retained).
Molecular consequence: synonymous variant.
Genome position (GRCh38, 1-based): chr11:126,015,440, G>A on the plus strand (C>T on the coding strand, the complement: CDON is on the minus strand). VCF-style: chr11-126015440-G-A. GRCh37 (hg19) VCF-style: chr11-125885335-G-A.
Other names: c.999C>T, p.Cys333= (NM_001243597.3, NM_016952.6).
Identifiers: ClinVar variation 737109 (VCV000737109.13), dbSNP rs201493965, ClinGen allele CA6352185.